The following is an entry in ClinVar:

ClinVar aggregate classification (germline): Pathogenic/Likely pathogenic. Review status: criteria provided, multiple submitters, no conflicts (2 of 4 stars). 2 submissions from 2 submitters: Pathogenic (1); Likely pathogenic (1). Last evaluated 2026-06-12.

Conditions:
Hereditary cancer-predisposing syndrome. Also called: Neoplastic Syndromes, Hereditary; Tumor predisposition; Hereditary Cancer Syndrome; Hereditary neoplastic syndrome. Identifiers: Orphanet 140162, MedGen C0027672, MeSH D009386, MONDO:0015356.
Hereditary retinoblastoma. Identifiers: Orphanet 357027, MedGen C0751483, MONDO:0018160.

Submissions (2):

Ambry Genetics
Classification: Likely pathogenic for Hereditary cancer-predisposing syndrome. Last evaluated: 2026-06-12. Review status: criteria provided, single submitter. Criteria: Ambry Variant Classification Scheme 2023. Collection method: clinical testing. Allele origin: germline.
Comment: The p.S567* variant (also known as c.1700C>A), located in coding exon 18 of the RB1 gene, results from a C to A substitution at nucleotide position 1700. This changes the amino acid from a serine to a stop codon within coding exon 18. This variant was reported in individuals with features consistent with RB1-related retinoblastoma (Dommering CJ et al. J Med Genet, 2014 Jun;51:366-74). This variant is considered to be rare based on population cohorts in the Genome Aggregation Database (gnomAD). Nonsense variants are typically expected to result in loss of function by premature protein truncation or nonsense-mediated mRNA decay. However, in silico splice site analysis predicts that this alteration may result in the creation or strengthening of a novel splice acceptor site and the resulting transcript is predicted to be in-frame, although direct evidence is unavailable. Based on the majority of available evidence to date, this variant is likely to be pathogenic.

Institute for Genomic Medicine (IGM) Clinical Laboratory, Nationwide Children's Hospital
Classification: Pathogenic for Hereditary retinoblastoma. Last evaluated: 2024-05-21. Review status: criteria provided, single submitter. Criteria: ACMG Guidelines, 2015. Collection method: clinical testing. Allele origin: germline.
Comment: This variant is predicted to result in loss of function through nonsense-mediated decay of the encoded transcript or premature truncation of the encoded protein in a gene in which loss of function is a known mechanism of disease (ACMG/AMP: PVS1; PMIDs:7795591, 24225018). This variant has been reported at an elevated frequency in affected individuals/in multiple affected individuals in the literature (ACMG/AMP: PS4_Supporting; PMID:24688104). This variant is absent from or present at an exceedingly low frequency in gnomAD, a large-scale control population database (ACMG/AMP: PM2). This variant is in a gene that is highly specific for a disease with a single genetic etiology (ACMG/AMP: PP4).

Literature cited by the submitters: PubMed 24688104 (cited by Ambry Genetics and Institute for Genomic Medicine (IGM) Clinical Laboratory, Nationwide Children's Hospital); PubMed 7795591 (cited by Institute for Genomic Medicine (IGM) Clinical Laboratory, Nationwide Children's Hospital); PubMed 24225018 (cited by Institute for Genomic Medicine (IGM) Clinical Laboratory, Nationwide Children's Hospital).

NM_000321.3(RB1):c.1700C>A (p.Ser567Ter)

Gene: RB1 (RB transcriptional corepressor 1; plus strand). Cytogenetic location: 13q14.2.
Variant type: single nucleotide variant.
Coding change: c.1700C>A on transcript NM_000321.3 (MANE Select); coding-DNA position 1700, C replaced by A.
Protein change: p.Ser567Ter; replaces serine 567 with a stop codon.
Molecular consequence: nonsense.
Genome position (GRCh38, 1-based): chr13:48,452,997, C>A. VCF-style: chr13-48452997-C-A. GRCh37 (hg19) VCF-style: chr13-49027133-C-A.
Other names: c.1700C>A, p.Ser567Ter (NM_001407165.1); short protein forms S567*.
Identifiers: ClinVar variation 4759313 (VCV004759313.2).